The following is an entry in ClinVar:

NM_178170.3(NEK8):c.1992C>T (p.His664=)

Gene: NEK8 (NIMA related kinase 8; plus strand). Cytogenetic location: 17q11.2.
Variant type: single nucleotide variant.
Coding change: c.1992C>T on transcript NM_178170.3 (MANE Select); coding-DNA position 1992, C replaced by T.
Protein change: p.His664=; no amino-acid change (histidine 664 retained).
Molecular consequence: synonymous variant.
Genome position (GRCh38, 1-based): chr17:28,741,513, C>T. VCF-style: chr17-28741513-C-T. GRCh37 (hg19) VCF-style: chr17-27068531-C-T.
Identifiers: ClinVar variation 4985888 (VCV004985888.1).
Genomic context (GRCh38, chr17:28,741,513, plus strand): 5'-ATTGGGAAGGAGGGATGAGGATGCCGGACTCCCTCGGCCAGTGCAGTTGGATGAGACACA[C>T]CCTTACACGGTGACTTCCGTGTCCTGTTGCCATGGAAACACCCTCCTGGCTGTTCGATGT-3'
Protein context (NP_835464.1, residues 654-674): LPRPVQLDET[His664=]PYTVTSVSCC

ClinVar aggregate classification (germline): Likely benign (1 of 4 stars; one submission).

Conditions:
NEK8-related disorder. Also called: NEK8-related condition.

Submission:

PreventionGenetics, part of Exact Sciences
Classification: Likely benign for NEK8-related condition. Last evaluated: 2025-11-30. Review status: criteria provided, single submitter. Criteria: ACMG Guidelines, 2015. Collection method: clinical testing. Allele origin: germline.
Comment: This variant is classified as likely benign based on ACMG/AMP sequence variant interpretation guidelines (Richards et al. 2015 PMID: 25741868, with internal and published modifications).